The following is an entry in ClinVar:

ClinVar aggregate classification (germline): Uncertain significance. Review status: criteria provided, multiple submitters, no conflicts (2 of 4 stars). 2 submissions from 2 submitters: Uncertain significance (2). Last evaluated 2024-03-11.

Conditions:
Lymphangiomyomatosis (LAM). Also called: Lymphangioleiomyomatosis, somatic; Lymphangioleiomyomatosis. Identifiers: Orphanet 538, MedGen C0751674, MONDO:0011705, OMIM 606690.
Isolated focal cortical dysplasia type II (FCORD2). Also called: Focal cortical dysplasia type II; CORTICAL DYSPLASIA OF TAYLOR. Identifiers: Orphanet 268994, MedGen C1846385, MONDO:0011818, OMIM 607341, HP:0032051.
Tuberous sclerosis 2 (TSC2). Identifiers: Orphanet 805, MedGen C1860707, MONDO:0013199, OMIM 613254.

Submissions (2):

Fulgent Genetics
Classification: Uncertain significance for Lymphangiomyomatosis; Isolated focal cortical dysplasia type II; Tuberous sclerosis 2. Last evaluated: 2024-03-11. Review status: criteria provided, single submitter. Criteria: ACMG Guidelines, 2015. Collection method: clinical testing. Allele origin: germline.

GeneDx
Classification: Uncertain significance. Last evaluated: 2022-01-21. Review status: criteria provided, single submitter. Criteria: GeneDx Variant Classification Process June 2021. Collection method: clinical testing. Allele origin: germline. Affected: yes.
Comment: Not observed at significant frequency in large population cohorts (gnomAD); In silico analysis supports that this missense variant has a deleterious effect on protein structure/function; Has not been previously published as pathogenic or benign to our knowledge

NM_000548.5(TSC2):c.3103T>C (p.Phe1035Leu)

Gene: TSC2 (TSC complex subunit 2; plus strand). Cytogenetic location: 16p13.3.
Variant type: single nucleotide variant.
Coding change: c.3103T>C on transcript NM_000548.5 (MANE Select); coding-DNA position 3103, T replaced by C.
Protein change: p.Phe1035Leu; replaces phenylalanine 1035 with leucine.
Molecular consequence: missense variant.
Genome position (GRCh38, 1-based): chr16:2,079,168, T>C. VCF-style: chr16-2079168-T-C. GRCh37 (hg19) VCF-style: chr16-2129169-T-C.
Other names: c.2971T>C, p.Phe991Leu (NM_001077183.3, NM_001370404.1); c.3103T>C, p.Phe1035Leu (NM_001114382.3); c.2863T>C, p.Phe955Leu (NM_001318827.2); c.2827T>C, p.Phe943Leu (NM_001318829.2); c.2371T>C, p.Phe791Leu (NM_001318831.2); c.3004T>C, p.Phe1002Leu (NM_001318832.2); c.2974T>C, p.Phe992Leu (NM_001363528.2, NM_001370405.1, NM_021055.3); short protein forms F1002L, F1035L, F791L, F943L, F955L, F991L, F992L.
Identifiers: ClinVar variation 1698206 (VCV001698206.3), dbSNP rs2151434349, ClinGen allele CA394284784.